The following is an entry in ClinVar:

NM_017534.6(MYH2):c.3901G>T (p.Glu1301Ter)

Genes: MYHAS (myosin heavy chain gene cluster antisense RNA; plus strand), MYH2 (myosin heavy chain 2; minus strand). Cytogenetic location: 17p13.1.
Variant type: single nucleotide variant.
Coding change: c.3901G>T on transcript NM_017534.6 (MANE Select); coding-DNA position 3901, G replaced by T.
Protein change: p.Glu1301Ter; replaces glutamic acid 1301 with a stop codon.
Molecular consequence: nonsense.
Genome position (GRCh38, 1-based): chr17:10,527,027, C>A on the plus strand (G>T on the coding strand, the complement: MYH2 is on the minus strand). VCF-style: chr17-10527027-C-A. GRCh37 (hg19) VCF-style: chr17-10430344-C-A.
Other names: chr17-10430344C-A; c.3901G>T, p.Glu1301Ter (NM_001100112.2); short protein forms E1301*.
Identifiers: ClinVar variation 3341093 (VCV003341093.3).

ClinVar aggregate classification (germline): Pathogenic (1 of 4 stars; one submission).

Conditions:
Myopathy, proximal, and ophthalmoplegia (CMYO6). Also called: INCLUSION BODY MYOPATHY 3, AUTOSOMAL DOMINANT; MYOPATHY WITH CONGENITAL JOINT CONTRACTURES, OPHTHALMOPLEGIA, AND RIMMED VACUOLES; CONGENITAL MYOPATHY 6 WITH OPHTHALMOPLEGIA. Identifiers: Orphanet 363677, Orphanet 79091, MedGen C1854106, MONDO:0011577, OMIM 605637.

Submission:

Department of Pathophysiology and Transplantation, University of Milan
Classification: Pathogenic for Myopathy, proximal, and ophthalmoplegia. Last evaluated: 2024-09-01. Review status: criteria provided, single submitter. Criteria: ACMG Guidelines, 2015. Collection method: clinical testing, in vivo. Allele origin: biparental, not applicable. Inheritance: Autosomal recessive inheritance. Affected: yes. Observed: 1 homozygote. Functional consequence: absent gene product.
Comment: The homozygous c.3901G>T variant in exon 29 of MYH2 gene causes a premature stop codon p.(Glu1301*), resulting in a drastic loss of expression of MyHC IIa mRNA as well as of MYH2 protein.